The following is an entry in ClinVar:

ClinVar aggregate classification (germline): Uncertain significance (1 of 4 stars; one submission).

Conditions:
Intellectual developmental disorder, autosomal dominant 1. Also called: MBD5 Haploinsufficiency; Intellectual disability, autosomal dominant 1. Identifiers: Orphanet 228402, MedGen C1969562, MONDO:0007974, OMIM 156200.

Allele frequency attached by ClinVar (database versions not stated): ExAC 0.00001; gnomAD 0.00001; gnomAD exomes 0.00001; TOPMed 0.00001.
gnomAD v4.1: 5 of 1,614,000 alleles (0.00031%); highest among the groups gnomAD compares: African/African-American, 0.004%; no homozygotes.

Submission:

Labcorp Genetics (formerly Invitae), Labcorp
Classification: Uncertain significance for Intellectual developmental disorder, autosomal dominant 1. Last evaluated: 2024-03-02. Review status: criteria provided, single submitter. Criteria: Invitae Variant Classification Sherloc (09022015). Collection method: clinical testing. Allele origin: germline.
Comment: This sequence change replaces proline, which is neutral and non-polar, with arginine, which is basic and polar, at codon 1080 of the MBD5 protein (p.Pro1080Arg). This variant is present in population databases (rs768860204, gnomAD 0.01%). This variant has not been reported in the literature in individuals affected with MBD5-related conditions. Experimental studies and prediction algorithms are not available or were not evaluated, and the functional significance of this variant is currently unknown. In summary, the available evidence is currently insufficient to determine the role of this variant in disease. Therefore, it has been classified as a Variant of Uncertain Significance.

NM_001378120.1(MBD5):c.3938C>G (p.Pro1313Arg)

Gene: MBD5 (methyl-CpG binding domain protein 5; plus strand). Cytogenetic location: 2q23.1.
Variant type: single nucleotide variant.
Coding change: c.3938C>G on transcript NM_001378120.1 (MANE Select); coding-DNA position 3938, C replaced by G.
Protein change: p.Pro1313Arg; replaces proline 1313 with arginine.
Molecular consequence: missense variant.
Genome position (GRCh38, 1-based): chr2:148,489,570, C>G. VCF-style: chr2-148489570-C-G. GRCh37 (hg19) VCF-style: chr2-149247139-C-G.
Other names: c.3239C>G, p.Pro1080Arg (NM_018328.5); short protein forms P1080R, P1313R.
Identifiers: ClinVar variation 2818172 (VCV002818172.3), dbSNP rs768860204, ClinGen allele CA1900361.